The following is an entry in ClinVar:

NM_014336.5(AIPL1):c.117C>A (p.Thr39=)

Gene: AIPL1 (AIP like 1 HSP90 co-chaperone; minus strand). Cytogenetic location: 17p13.2.
Variant type: single nucleotide variant.
Coding change: c.117C>A on transcript NM_014336.5 (MANE Select); coding-DNA position 117, C replaced by A.
Protein change: p.Thr39=; no amino-acid change (threonine 39 retained).
Molecular consequence: synonymous variant. On other transcripts: 5 prime UTR variant (1), intron variant (3).
Genome position (GRCh38, 1-based): chr17:6,434,078, G>T on the plus strand (C>A on the coding strand, the complement: AIPL1 is on the minus strand). VCF-style: chr17-6434078-G-T. GRCh37 (hg19) VCF-style: chr17-6337398-G-T.
Other names: c.-1C>A (NM_001285402.1, NM_001285402.2); c.117C>A, p.Thr39= (NM_001033054.3, NM_001285401.3, NM_001285403.4); c.96+931C>A (NM_001033055.3); c.97-46C>A (NM_001285400.3); c.97-16C>A (NM_001285399.3).
Identifiers: ClinVar variation 768825 (VCV000768825.11), dbSNP rs139244717, ClinGen allele CA8328619.

ClinVar aggregate classification (germline): Likely benign. Review status: criteria provided, multiple submitters, no conflicts (2 of 4 stars). 3 submissions from 3 submitters: Likely benign (3). Last evaluated 2026-04-24.

Conditions:
Leber congenital amaurosis 4 (LCA4). Identifiers: MedGen C1858386, MONDO:0011458, OMIM 604393.
AIPL1-related disorder. Also called: AIPL1-related condition; AIPL1-related disorders. Identifiers: MedGen CN239169.

Allele frequency attached by ClinVar (database versions not stated): gnomAD exomes 0.00001 and 0.00003; ExAC 0.00005; TOPMed 0.00016; gnomAD 0.00018; ESP Exome Variant Server 0.00031.
gnomAD v4.1: 41 of 1,613,862 alleles (0.0025%); highest among the groups gnomAD compares: African/African-American, 0.052%; 1 homozygote.

Submissions (3):

PreventionGenetics, part of Exact Sciences
Classification: Likely benign for AIPL1-related condition. Last evaluated: 2026-04-24. Review status: criteria provided, single submitter. Criteria: ACMG Guidelines, 2015. Collection method: clinical testing. Allele origin: germline.
Comment: This variant is classified as likely benign based on ACMG/AMP sequence variant interpretation guidelines (Richards et al. 2015 PMID: 25741868, with internal and published modifications).

Labcorp Genetics (formerly Invitae), Labcorp
Classification: Likely benign for Leber congenital amaurosis 4. Last evaluated: 2026-01-05. Review status: criteria provided, single submitter. Criteria: Invitae Variant Classification Sherloc (09022015). Collection method: clinical testing. Allele origin: germline.

Blueprint Genetics
Classification: Likely benign. Last evaluated: 2024-03-19. Review status: criteria provided, single submitter. Criteria: ACMG Guidelines, 2015. Collection method: clinical testing. Allele origin: germline.